The following is an entry in ClinVar:

NM_002474.3(MYH11):c.1023G>A (p.Glu341=)

Gene: MYH11 (myosin heavy chain 11; minus strand). Cytogenetic location: 16p13.11.
Variant type: single nucleotide variant.
Coding change: c.1023G>A on transcript NM_002474.3 (MANE Select); coding-DNA position 1023, G replaced by A.
Protein change: p.Glu341=; no amino-acid change (glutamic acid 341 retained).
Molecular consequence: synonymous variant.
Genome position (GRCh38, 1-based): chr16:15,771,579, C>T on the plus strand (G>A on the coding strand, the complement: MYH11 is on the minus strand). VCF-style: chr16-15771579-C-T. GRCh37 (hg19) VCF-style: chr16-15865436-C-T.
Other names: c.1044G>A, p.Glu348= (NM_001040113.2, NM_001040114.2); c.1023G>A, p.Glu341= (NM_022844.3).
Identifiers: ClinVar variation 3071460 (VCV003071460.1), dbSNP rs2506503191, ClinGen allele CA493771755.

ClinVar aggregate classification (germline): Likely benign (1 of 4 stars; one submission).

Conditions:
Familial thoracic aortic aneurysm and aortic dissection (TAAD). Also called: Thoracic aortic aneurysms and dissections. Identifiers: Orphanet 91387, MedGen C4707243, MONDO:0019625.

Allele frequency attached by ClinVar (database versions not stated): gnomAD exomes below 0.00001.
gnomAD v4.1: 1 of 1,613,948 alleles (0.000062%); highest among the groups gnomAD compares: Non-Finnish European, 0.000085%; no homozygotes.

Submission:

All of Us Research Program, National Institutes of Health
Classification: Likely benign for Familial thoracic aortic aneurysm and aortic dissection. Last evaluated: 2023-06-08. Review status: criteria provided, single submitter. Criteria: ACMG Guidelines, 2015. Collection method: clinical testing. Allele origin: germline. Inheritance: Autosomal dominant inheritance. Observed: 1 variant allele, 1 heterozygote.
Comment: This study involves interpretation of variants in research participants for the purpose of population health screening. Participant phenotype was not available at the time of variant classification. Additional details can be found in publication PMID: 35346344, PMCID: PMC8962531